The following is an entry in ClinVar:

ClinVar aggregate classification (germline): Uncertain significance (1 of 4 stars; one submission).

Allele frequency attached by ClinVar (database versions not stated): TOPMed below 0.00001.

Submission:

Labcorp Genetics (formerly Invitae), Labcorp
Classification: Uncertain significance. Last evaluated: 2022-09-20. Review status: criteria provided, single submitter. Criteria: Invitae Variant Classification Sherloc (09022015). Collection method: clinical testing. Allele origin: germline.
Comment: In summary, the available evidence is currently insufficient to determine the role of this variant in disease. Therefore, it has been classified as a Variant of Uncertain Significance. Advanced modeling of protein sequence and biophysical properties (such as structural, functional, and spatial information, amino acid conservation, physicochemical variation, residue mobility, and thermodynamic stability) performed at Invitae indicates that this missense variant is not expected to disrupt ORC1 protein function. This variant has not been reported in the literature in individuals affected with ORC1-related conditions. This variant is not present in population databases (gnomAD no frequency). This sequence change replaces alanine, which is neutral and non-polar, with valine, which is neutral and non-polar, at codon 292 of the ORC1 protein (p.Ala292Val).

NM_004153.4(ORC1):c.875C>T (p.Ala292Val)

Gene: ORC1 (origin recognition complex subunit 1; minus strand). Cytogenetic location: 1p32.3.
Variant type: single nucleotide variant.
Coding change: c.875C>T on transcript NM_004153.4 (MANE Select); coding-DNA position 875, C replaced by T.
Protein change: p.Ala292Val; replaces alanine 292 with valine.
Molecular consequence: missense variant.
Genome position (GRCh38, 1-based): chr1:52,393,650, G>A on the plus strand (C>T on the coding strand, the complement: ORC1 is on the minus strand). VCF-style: chr1-52393650-G-A. GRCh37 (hg19) VCF-style: chr1-52859322-G-A.
Other names: c.875C>T, p.Ala292Val (NM_001190818.2, NM_001190819.2); short protein forms A292V.
Identifiers: ClinVar variation 2010151 (VCV002010151.4), dbSNP rs1647276808, ClinGen allele CA340359321.